The following is an entry in ClinVar:

ClinVar aggregate classification (germline): Likely benign. Review status: criteria provided, multiple submitters, no conflicts (2 of 4 stars). 4 submissions from 4 submitters: Likely benign (3). 1 of the submissions does not count toward it. Last evaluated 2025-10-01.

Conditions:
MAP1B-related disorder. Also called: MAP1B-related condition.

Allele frequency attached by ClinVar (database versions not stated): gnomAD 0.00075 and 0.00058; TOPMed 0.00094; gnomAD exomes 0.00095 and 0.00050; 1000 Genomes Project 30x 0.00031; 1000 Genomes Project 0.00040; ExAC 0.00040; ESP Exome Variant Server 0.00054.
gnomAD v4.1: 1,476 of 1,614,072 alleles (0.091%); highest among the groups gnomAD compares: Non-Finnish European, 0.12%; no homozygotes.

Submissions (4):

CeGaT Center for Human Genetics Tuebingen
Classification: Likely benign. Last evaluated: 2025-10-01. Review status: criteria provided, single submitter. Criteria: CeGaT Center For Human Genetics Tuebingen Variant Classification Criteria Version 2. Collection method: clinical testing. Allele origin: germline. Affected: yes. Observed: 2 variant alleles.
Comment: MAP1B: BP4, BP7

Blueprint Genetics
Classification: Likely benign. Last evaluated: 2024-10-30. Review status: criteria provided, single submitter. Criteria: ACMG Guidelines, 2015. Collection method: clinical testing. Allele origin: germline.

Labcorp Genetics (formerly Invitae), Labcorp
Classification: Likely benign. Last evaluated: 2019-12-31. Review status: criteria provided, single submitter. Criteria: Invitae Variant Classification Sherloc (09022015). Collection method: clinical testing. Allele origin: germline.

PreventionGenetics, part of Exact Sciences
Classification: Likely benign for MAP1B-related condition. Last evaluated: 2019-04-02. Review status: no assertion criteria provided. Collection method: clinical testing. Allele origin: germline. Not counted in ClinVar's aggregate classification.
Comment: This variant is classified as likely benign based on ACMG/AMP sequence variant interpretation guidelines (Richards et al. 2015 PMID: 25741868, with internal and published modifications).

NM_005909.5(MAP1B):c.3324C>T (p.Asp1108=)

Gene: MAP1B (microtubule associated protein 1B; plus strand). Cytogenetic location: 5q13.2.
Variant type: single nucleotide variant.
Coding change: c.3324C>T on transcript NM_005909.5 (MANE Select); coding-DNA position 3324, C replaced by T.
Protein change: p.Asp1108=; no amino-acid change (aspartic acid 1108 retained).
Molecular consequence: synonymous variant.
Genome position (GRCh38, 1-based): chr5:72,196,679, C>T. VCF-style: chr5-72196679-C-T. GRCh37 (hg19) VCF-style: chr5-71492506-C-T.
Other names: c.2946C>T, p.Asp982= (NM_001324255.2).
Identifiers: ClinVar variation 722666 (VCV000722666.31), dbSNP rs146554740, ClinGen allele CA3298977.